The following is an entry in ClinVar:

ClinVar aggregate classification (germline): Uncertain significance (1 of 4 stars; one submission).

Submission:

Ambry Genetics
Classification: Uncertain significance. Last evaluated: 2025-10-16. Review status: criteria provided, single submitter. Criteria: Ambry Variant Classification Scheme 2023. Collection method: clinical testing. Allele origin: germline.
Comment: The p.P87A variant (also known as c.259C>G), located in coding exon 1 of the MLH3 gene, results from a C to G substitution at nucleotide position 259. The proline at codon 87 is replaced by alanine, an amino acid with highly similar properties. This amino acid position is conserved. In addition, the in silico prediction for this alteration is inconclusive. Based on the available evidence, the clinical significance of this variant remains unclear.

NM_001040108.2(MLH3):c.259C>G (p.Pro87Ala)

Gene: MLH3 (mutL homolog 3; minus strand). Cytogenetic location: 14q24.3.
Variant type: single nucleotide variant.
Coding change: c.259C>G on transcript NM_001040108.2 (MANE Select); coding-DNA position 259, C replaced by G.
Protein change: p.Pro87Ala; replaces proline 87 with alanine.
Molecular consequence: missense variant.
Genome position (GRCh38, 1-based): chr14:75,049,397, G>C on the plus strand (C>G on the coding strand, the complement: MLH3 is on the minus strand). VCF-style: chr14-75049397-G-C. GRCh37 (hg19) VCF-style: chr14-75516100-G-C.
Other names: c.259C>G, p.Pro87Ala (NM_014381.3); short protein forms P87A.
Identifiers: ClinVar variation 4552094 (VCV004552094.1).